The following is an entry in ClinVar:

ClinVar aggregate classification (germline): Uncertain significance. Review status: criteria provided, multiple submitters, no conflicts (2 of 4 stars). 3 submissions from 3 submitters: Uncertain significance (2). 1 of the submissions does not count toward it. Last evaluated 2023-05-08.

Conditions:
TTN-related disorder. Also called: TTN-related condition; TTN-related disease; TTN-related disorders.

Allele frequency attached by ClinVar (database versions not stated): gnomAD exomes 0.00001; ExAC 0.00003; ESP Exome Variant Server 0.00008; TOPMed 0.00008; gnomAD 0.00009.
gnomAD v4.1: 22 of 1,612,638 alleles (0.0014%); highest among the groups gnomAD compares: African/African-American, 0.028%; no homozygotes.

Submissions (3):

Women's Health and Genetics/Laboratory Corporation of America, LabCorp
Classification: Uncertain significance. Last evaluated: 2023-05-08. Review status: criteria provided, single submitter. Criteria: LabCorp Variant Classification Summary - May 2015. Collection method: clinical testing. Allele origin: germline.
Comment: Variant summary: TTN c.18263T>A (p.Leu6088Gln) results in a non-conservative amino acid change located in the I-band region of the encoded protein sequence. Three of five in-silico tools predict a damaging effect of the variant on protein function. The variant allele was found at a frequency of 2.4e-05 in 246892 control chromosomes (gnomAD). The available data on variant occurrences in the general population are insufficient to allow any conclusion about variant significance. To our knowledge, no occurrence of c.18263T>A in individuals affected with Dilated Cardiomyopathy and no experimental evidence demonstrating its impact on protein function have been reported. One ClinVar submitter has assessed the variant since 2014: the variant was classified as uncertain significance. Based on the evidence outlined above, the variant was classified as uncertain significance.

Revvity Omics, Revvity
Classification: Uncertain significance. Last evaluated: 2019-04-15. Review status: criteria provided, single submitter. Criteria: ACMG Guidelines, 2015. Collection method: clinical testing. Allele origin: germline.

PreventionGenetics, part of Exact Sciences
Classification: Uncertain significance for TTN-related condition. Last evaluated: 2024-07-09. Review status: no assertion criteria provided. Collection method: clinical testing. Allele origin: germline. Not counted in ClinVar's aggregate classification.
Comment: The TTN c.21995T>A variant is predicted to result in the amino acid substitution p.Leu7332Gln. To our knowledge, this variant has not been reported in the literature. This variant is reported in 0.039% of alleles in individuals of African descent in gnomAD. At this time, the clinical significance of this variant is uncertain due to the absence of conclusive functional and genetic evidence.

NM_001267550.2(TTN):c.21995T>A (p.Leu7332Gln)

Gene: TTN (titin; minus strand). Cytogenetic location: 2q31.2.
Variant type: single nucleotide variant.
Coding change: c.21995T>A on transcript NM_001267550.2 (MANE Select); coding-DNA position 21995, T replaced by A.
Protein change: p.Leu7332Gln; replaces leucine 7332 with glutamine.
Molecular consequence: missense variant. On other transcripts: intron variant (3).
Genome position (GRCh38, 1-based): chr2:178,722,904, A>T on the plus strand (T>A on the coding strand, the complement: TTN is on the minus strand). VCF-style: chr2-178722904-A-T. GRCh37 (hg19) VCF-style: chr2-179587631-A-T.
Other names: c.21044T>A, p.Leu7015Gln (NM_001256850.1); c.18263T>A, p.Leu6088Gln (NM_133378.4); c.13282+15178T>A (NM_003319.4); c.13858+15178T>A (NM_133437.4); c.13657+15178T>A (NM_133432.3); short protein forms L6088Q, L7015Q, L7332Q.
Identifiers: ClinVar variation 2437401 (VCV002437401.5), dbSNP rs369522109, ClinGen allele CA2000909.